The following is an entry in ClinVar:

NM_032977.4(CASP10):c.1342T>A (p.Ser448Thr)

Gene: CASP10 (caspase 10; plus strand). Cytogenetic location: 2q33.1.
Variant type: single nucleotide variant.
Coding change: c.1342T>A on transcript NM_032977.4 (MANE Select); coding-DNA position 1342, T replaced by A.
Protein change: p.Ser448Thr; replaces serine 448 with threonine.
Molecular consequence: missense variant. On other transcripts: 3 prime UTR variant (1).
Genome position (GRCh38, 1-based): chr2:201,209,489, T>A. VCF-style: chr2-201209489-T-A. GRCh37 (hg19) VCF-style: chr2-202074212-T-A.
Other names: c.1141T>A, p.Ser381Thr (NM_001206524.2); c.1213T>A, p.Ser405Thr (NM_001206542.2, NM_001230.5); c.1342T>A, p.Ser448Thr (NM_032974.5); c.*428T>A (NM_032976.4); short protein forms S448T, S381T, S405T.
Identifiers: ClinVar variation 2946849 (VCV002946849.3), dbSNP rs2126048430, ClinGen allele CA350292970.
Genomic context (GRCh38, chr2:201,209,489, plus strand): 5'-GACAGTATTCCTGCCGAGGCTGACTTCCTACTTGGTCTGGCCACTGTCCCAGGCTATGTA[T>A]CCTTTCGGCATGTGGAGGAAGGCAGCTGGTATATTCAGTCTCTGTGTAATCATCTGAAGA-3'
Protein context (NP_116759.2, residues 438-458): LGLATVPGYV[Ser448Thr]FRHVEEGSWY

ClinVar aggregate classification (germline): Uncertain significance (1 of 4 stars; one submission).

Conditions:
Autoimmune lymphoproliferative syndrome type 2A (ALPS2A). Also called: Autoimmune lymphoproliferative syndrome type 2; CASP10-Related Autoimmune Lymphoproliferative Syndrome; AUTOIMMUNE LYMPHOPROLIFERATIVE SYNDROME, TYPE IIA. Identifiers: Orphanet 3261, MedGen C1858968, MONDO:0011383, OMIM 603909.

Allele frequency attached by ClinVar (database versions not stated): gnomAD exomes 0.00001.
gnomAD v4.1: 8 of 1,613,886 alleles (0.0005%); highest among the groups gnomAD compares: Non-Finnish European, 0.00068%; no homozygotes.

Submission:

Labcorp Genetics (formerly Invitae), Labcorp
Classification: Uncertain significance for Autoimmune lymphoproliferative syndrome type 2A. Last evaluated: 2023-04-17. Review status: criteria provided, single submitter. Criteria: Invitae Variant Classification Sherloc (09022015). Collection method: clinical testing. Allele origin: germline.
Comment: In summary, the available evidence is currently insufficient to determine the role of this variant in disease. Therefore, it has been classified as a Variant of Uncertain Significance. Advanced modeling of protein sequence and biophysical properties (such as structural, functional, and spatial information, amino acid conservation, physicochemical variation, residue mobility, and thermodynamic stability) performed at Invitae indicates that this missense variant is not expected to disrupt CASP10 protein function. This variant has not been reported in the literature in individuals affected with CASP10-related conditions. This variant is not present in population databases (gnomAD no frequency). This sequence change replaces serine, which is neutral and polar, with threonine, which is neutral and polar, at codon 448 of the CASP10 protein (p.Ser448Thr).